The following is an entry in ClinVar:

ClinVar aggregate classification (germline): Uncertain significance (1 of 4 stars; one submission).

Allele frequency attached by ClinVar (database versions not stated): gnomAD exomes below 0.00001.
gnomAD v4.1: 7 of 1,614,034 alleles (0.00043%); highest among the groups gnomAD compares: South Asian, 0.0044%; no homozygotes.

Submission:

Ambry Genetics
Classification: Uncertain significance. Last evaluated: 2024-04-10. Review status: criteria provided, single submitter. Criteria: Ambry Variant Classification Scheme 2023. Collection method: clinical testing. Allele origin: germline.
Comment: The p.R319Q variant (also known as c.956G>A), located in coding exon 9 of the RAD54L gene, results from a G to A substitution at nucleotide position 956. The arginine at codon 319 is replaced by glutamine, an amino acid with highly similar properties. This amino acid position is conserved. In addition, this alteration is predicted to be deleterious by in silico analysis. Since supporting evidence is limited at this time, the clinical significance of this alteration remains unclear.

NM_003579.4(RAD54L):c.956G>A (p.Arg319Gln)

Gene: RAD54L (RAD54 like; plus strand). Cytogenetic location: 1p34.1.
Variant type: single nucleotide variant.
Coding change: c.956G>A on transcript NM_003579.4 (MANE Select); coding-DNA position 956, G replaced by A.
Protein change: p.Arg319Gln; replaces arginine 319 with glutamine.
Molecular consequence: missense variant.
Genome position (GRCh38, 1-based): chr1:46,267,523, G>A. VCF-style: chr1-46267523-G-A. GRCh37 (hg19) VCF-style: chr1-46733195-G-A.
Other names: c.956G>A, p.Arg319Gln (NM_001142548.2); c.416G>A, p.Arg139Gln (NM_001370766.1); short protein forms R139Q, R319Q.
Identifiers: ClinVar variation 1767414 (VCV001767414.3), dbSNP rs1269019049, ClinGen allele CA340192334.